The following is an entry in ClinVar:

NM_000565.4(IL6R):c.1392C>T (p.Tyr464=)

Gene: IL6R (interleukin 6 receptor; plus strand). Cytogenetic location: 1q21.3.
Variant type: single nucleotide variant.
Coding change: c.1392C>T on transcript NM_000565.4 (MANE Select); coding-DNA position 1392, C replaced by T.
Protein change: p.Tyr464=; no amino-acid change (tyrosine 464 retained).
Molecular consequence: synonymous variant. On other transcripts: 3 prime UTR variant (1).
Genome position (GRCh38, 1-based): chr1:154,465,365, C>T. VCF-style: chr1-154465365-C-T. GRCh37 (hg19) VCF-style: chr1-154437841-C-T.
Other names: c.*200C>T (NM_181359.3).
Identifiers: ClinVar variation 783948 (VCV000783948.13), dbSNP rs2228147, ClinGen allele CA1129366.

ClinVar aggregate classification (germline): Benign/Likely benign. Review status: criteria provided, multiple submitters, no conflicts (2 of 4 stars). 4 submissions from 4 submitters: Benign (2); Likely benign (1). 1 of the submissions does not count toward it. Last evaluated 2026-01-23.

Conditions:
IL6R-related disorder. Also called: IL6R-related condition.

Allele frequency attached by ClinVar (database versions not stated): gnomAD exomes 0.00009 and 0.00029; ExAC 0.00035; 1000 Genomes Project 30x 0.00078; 1000 Genomes Project 0.00080; gnomAD 0.00104 and 0.00113; TOPMed 0.00123; ESP Exome Variant Server 0.00131.
gnomAD v4.1: 302 of 1,614,180 alleles (0.019%); highest among the groups gnomAD compares: African/African-American, 0.35%; 1 homozygote.

Submissions (4):

Labcorp Genetics (formerly Invitae), Labcorp
Classification: Benign. Last evaluated: 2026-01-23. Review status: criteria provided, single submitter. Criteria: Invitae Variant Classification Sherloc (09022015). Collection method: clinical testing. Allele origin: germline.

Blueprint Genetics
Classification: Likely benign. Last evaluated: 2024-08-30. Review status: criteria provided, single submitter. Criteria: ACMG Guidelines, 2015. Collection method: clinical testing. Allele origin: germline.

Breakthrough Genomics
Classification: Benign. Review status: criteria provided, single submitter. Criteria: ACMG Guidelines, 2015. Collection method: not provided. Allele origin: germline. Inheritance: Autosomal recessive inheritance. Affected: yes.

PreventionGenetics, part of Exact Sciences
Classification: Likely benign for IL6R-related condition. Last evaluated: 2019-10-28. Review status: no assertion criteria provided. Collection method: clinical testing. Allele origin: germline. Not counted in ClinVar's aggregate classification.
Comment: This variant is classified as likely benign based on ACMG/AMP sequence variant interpretation guidelines (Richards et al. 2015 PMID: 25741868, with internal and published modifications).